The following is an entry in ClinVar:

NM_015662.3(IFT172):c.2539T>A (p.Leu847Met)

Genes: IFT172 (intraflagellar transport 172; minus strand), LOC126806174 (CDK7 strongly-dependent group 2 enhancer GRCh37_chr2:27681686-27682885; plus strand). Cytogenetic location: 2p23.3.
Variant type: single nucleotide variant.
Coding change: c.2539T>A on transcript NM_015662.3 (MANE Select); coding-DNA position 2539, T replaced by A.
Protein change: p.Leu847Met; replaces leucine 847 with methionine.
Molecular consequence: missense variant.
Genome position (GRCh38, 1-based): chr2:27,459,812, A>T on the plus strand (T>A on the coding strand, the complement: IFT172 is on the minus strand). VCF-style: chr2-27459812-A-T. GRCh37 (hg19) VCF-style: chr2-27682679-A-T.
Other names: c.2539T>A (NM_015662.2); c.2473T>A, p.Leu825Met (NM_001410739.1); short protein forms L847M, L825M.
Identifiers: ClinVar variation 3586324 (VCV003586324.2).

ClinVar aggregate classification (germline): Uncertain significance. Review status: criteria provided, multiple submitters, no conflicts (2 of 4 stars). 2 submissions from 2 submitters: Uncertain significance (2). Last evaluated 2025-04-17.

Conditions:
Short-rib thoracic dysplasia 10 with or without polydactyly (SRTD10). Identifiers: Orphanet 474, MedGen C3810175, MONDO:0014284, OMIM 615630.
Bardet-Biedl syndrome 20. Identifiers: MedGen C4310707, MONDO:0023670, OMIM 619471, MONDO:0014926.
Retinitis pigmentosa 71 (RP71). Identifiers: Orphanet 791, MedGen C4225342, MONDO:0014618, OMIM 616394.
IFT172-related disorder. Also called: IFT172-related disorders; IFT172-related condition.

gnomAD v4.1: 10 of 1,612,086 alleles (0.00062%); highest among the groups gnomAD compares: Non-Finnish European, 0.00085%; no homozygotes.

Submissions (2):

PreventionGenetics, part of Exact Sciences
Classification: Uncertain significance for IFT172-related condition. Last evaluated: 2025-04-17. Review status: criteria provided, single submitter. Criteria: ACMG Guidelines, 2015. Collection method: clinical testing. Allele origin: germline.
Comment: The IFT172 c.2539T>A variant is predicted to result in the amino acid substitution p.Leu847Met. To our knowledge, this variant has not been reported in the literature. This variant is reported in 0.0018% of alleles in individuals of European (Non-Finnish) descent in gnomAD. At this time, the clinical significance of this variant is uncertain due to the absence of conclusive functional and genetic evidence.

Fulgent Genetics
Classification: Uncertain significance for Short-rib thoracic dysplasia 10 with or without polydactyly; Retinitis pigmentosa 71; Bardet-Biedl syndrome 20. Last evaluated: 2024-04-09. Review status: criteria provided, single submitter. Criteria: ACMG Guidelines, 2015. Collection method: clinical testing. Allele origin: germline.